The following is an entry in ClinVar:

ClinVar aggregate classification (germline): Uncertain significance (1 of 4 stars; one submission).

Submission:

Ambry Genetics
Classification: Uncertain significance. Last evaluated: 2025-08-31. Review status: criteria provided, single submitter. Criteria: Ambry Variant Classification Scheme 2023. Collection method: clinical testing. Allele origin: germline.
Comment: The p.S94N variant (also known as c.281G>A), located in coding exon 2 of the RNF43 gene, results from a G to A substitution at nucleotide position 281. The serine at codon 94 is replaced by asparagine, an amino acid with highly similar properties. This amino acid position is conserved. In addition, this alteration is predicted to be tolerated by in silico analysis. Based on the available evidence, the clinical significance of this variant remains unclear.

NM_017763.6(RNF43):c.281G>A (p.Ser94Asn)

Gene: RNF43 (ring finger protein 43; minus strand). Cytogenetic location: 17q22.
Variant type: single nucleotide variant.
Coding change: c.281G>A on transcript NM_017763.6 (MANE Select); coding-DNA position 281, G replaced by A.
Protein change: p.Ser94Asn; replaces serine 94 with asparagine.
Molecular consequence: missense variant. On other transcripts: 5 prime UTR variant (2).
Genome position (GRCh38, 1-based): chr17:58,371,005, C>T on the plus strand (G>A on the coding strand, the complement: RNF43 is on the minus strand). VCF-style: chr17-58371005-C-T. GRCh37 (hg19) VCF-style: chr17-56448366-C-T.
Other names: c.281G>A, p.Ser94Asn (NM_001305544.3, NM_001438820.1, NM_001438821.1 and 1 more transcripts); c.-101G>A (NM_001305545.2, NM_001437987.1); short protein forms S94N.
Identifiers: ClinVar variation 4155806 (VCV004155806.1).